The following is an entry in ClinVar:

ClinVar aggregate classification (germline): Uncertain significance (1 of 4 stars; one submission).

Conditions:
Inborn genetic diseases. Identifiers: MedGen C0950123, MeSH D030342.

Submission:

Ambry Genetics
Classification: Uncertain significance for Inborn genetic diseases. Last evaluated: 2025-08-20. Review status: criteria provided, single submitter. Criteria: Ambry Variant Classification Scheme 2023. Collection method: clinical testing. Allele origin: germline.
Comment: The p.P434S variant (also known as c.1300C>T), located in coding exon 12 of the DDX41 gene, results from a C to T substitution at nucleotide position 1300. The proline at codon 434 is replaced by serine, an amino acid with similar properties. This amino acid position is conserved. In addition, the in silico prediction for this alteration is inconclusive. Based on the available evidence, the clinical significance of this variant remains unclear.

NM_016222.4(DDX41):c.1300C>T (p.Pro434Ser)

Gene: DDX41 (DEAD-box helicase 41; minus strand). Cytogenetic location: 5q35.3.
Variant type: single nucleotide variant.
Coding change: c.1300C>T on transcript NM_016222.4 (MANE Select); coding-DNA position 1300, C replaced by T.
Protein change: p.Pro434Ser; replaces proline 434 with serine.
Molecular consequence: missense variant.
Genome position (GRCh38, 1-based): chr5:177,513,013, G>A on the plus strand (C>T on the coding strand, the complement: DDX41 is on the minus strand). VCF-style: chr5-177513013-G-A. GRCh37 (hg19) VCF-style: chr5-176940014-G-A.
Other names: c.922C>T, p.Pro308Ser (NM_001321732.2, NM_001321830.2); short protein forms P308S, P434S.
Identifiers: ClinVar variation 4238807 (VCV004238807.1).
Genomic context (GRCh38, chr5:177,513,013, plus strand): 5'-TCCAAAGCCCTCCCTGGTCCTGGGGACTCTGGCCCCGGCCTGGCCTGGCTGCACTCACAG[G>A]CGGGGGTGTCTTCTGCAGGCACTCGAGCAGGTACACCATCTTGGCCTCCTCCTTCACATA-3'
Protein context (NP_057306.2, residues 424-444): LLECLQKTPP[Pro434Ser]VLIFAEKKAD